The following is an entry in ClinVar:

ClinVar aggregate classification (germline): Uncertain significance (1 of 4 stars; one submission).

Conditions:
Hereditary cancer-predisposing syndrome. Also called: Hereditary Cancer Syndrome; Hereditary neoplastic syndrome; Neoplastic Syndromes, Hereditary; Tumor predisposition. Identifiers: Orphanet 140162, MedGen C0027672, MeSH D009386, MONDO:0015356.

Submission:

Ambry Genetics
Classification: Uncertain significance for Hereditary cancer-predisposing syndrome. Last evaluated: 2021-12-03. Review status: criteria provided, single submitter. Criteria: Ambry Variant Classification Scheme 2023. Collection method: clinical testing. Allele origin: germline.
Comment: The p.G2569S variant (also known as c.7705G>A), located in coding exon 15 of the BRCA2 gene, results from a G to A substitution at nucleotide position 7705. The glycine at codon 2569 is replaced by serine, an amino acid with similar properties. This amino acid position is not well conserved in available vertebrate species. In addition, the in silico prediction for this alteration is inconclusive. Since supporting evidence is limited at this time, the clinical significance of this alteration remains unclear.

NM_000059.4(BRCA2):c.7705G>A (p.Gly2569Ser)

Gene: BRCA2 (BRCA2 DNA repair associated; plus strand). Cytogenetic location: 13q13.1.
Variant type: single nucleotide variant.
Coding change: c.7705G>A on transcript NM_000059.4 (MANE Select); coding-DNA position 7705, G replaced by A.
Protein change: p.Gly2569Ser; replaces glycine 2569 with serine.
Molecular consequence: missense variant.
Genome position (GRCh38, 1-based): chr13:32,357,829, G>A. VCF-style: chr13-32357829-G-A. GRCh37 (hg19) VCF-style: chr13-32931966-G-A.
Other names: short protein forms G2569S.
Identifiers: ClinVar variation 441356 (VCV000441356.5), dbSNP rs1555286424, ClinGen allele CA387745284.
Genomic context (GRCh38, chr13:32,357,829, plus strand): 5'-TGCATAAAAATTAACAGCAAAAATGCAGAGTCTTTTCAGTTTCACACTGAAGATTATTTT[G>A]GTAAGGAAAGTTTATGGACTGGAAAAGGAATACAGTTGGCTGATGGTGGATGGCTCATAC-3'
Protein context (NP_000050.3, residues 2559-2579): SFQFHTEDYF[Gly2569Ser]KESLWTGKGI